The following is an entry in ClinVar:

NM_001354604.2(MITF):c.1150G>A (p.Ala384Thr)

Gene: MITF (melanocyte inducing transcription factor; plus strand). Cytogenetic location: 3p13.
Variant type: single nucleotide variant.
Coding change: c.1150G>A on transcript NM_001354604.2 (MANE Select); coding-DNA position 1150, G replaced by A.
Protein change: p.Ala384Thr; replaces alanine 384 with threonine.
Molecular consequence: missense variant.
Genome position (GRCh38, 1-based): chr3:69,959,391, G>A. VCF-style: chr3-69959391-G-A. GRCh37 (hg19) VCF-style: chr3-70008542-G-A.
Other names: c.829G>A, p.Ala277Thr (NM_000248.4); c.976G>A, p.Ala326Thr (NM_001184967.2, NM_001354608.2); c.1147G>A, p.Ala383Thr (NM_001354605.2); c.1129G>A, p.Ala377Thr (NM_001354606.2, NM_006722.3); c.1081G>A, p.Ala361Thr (NM_001354607.2); c.811G>A, p.Ala271Thr (NM_198158.3); c.1132G>A, p.Ala378Thr (NM_198159.3); c.1084G>A, p.Ala362Thr (NM_198177.3); and 1 more; short protein forms A215T, A271T, A277T, A326T, A361T, A362T, A377T, A378T.
Identifiers: ClinVar variation 666714 (VCV000666714.46), dbSNP rs202020443, ClinGen allele CA2490580.

ClinVar aggregate classification (germline): Conflicting classifications of pathogenicity. Review status: criteria provided, conflicting classifications (1 of 4 stars). 10 submissions from 10 submitters: Uncertain significance (6); Likely benign (2). 2 of the submissions do not count toward it. Last evaluated 2026-06-02.

Conditions:
MITF-related disorder. Also called: MITF-related condition.
Tietz syndrome (TADS). Also called: HYPOPIGMENTATION/DEAFNESS OF TIETZ; TIETZ ALBINISM-DEAFNESS SYNDROME; ALBINISM-DEAFNESS OF TIETZ. Identifiers: Orphanet 42665, MedGen C0391816, MONDO:0007077, OMIM 103500.
Waardenburg syndrome type 2A (WS2A). Also called: WAARDENBURG SYNDROME WITHOUT DYSTOPIA CANTHORUM. Identifiers: Orphanet 3440, MedGen C1860339, MONDO:0008671, OMIM 193510.
Melanoma, cutaneous malignant, susceptibility to, 8. Also called: MELANOMA AND RENAL CELL CARCINOMA, SUSCEPTIBILITY TO; Cutaneous malignant melanoma 8. Identifiers: Orphanet 293822, MedGen C3152204, MONDO:0013759, OMIM 614456.

Allele frequency attached by ClinVar (database versions not stated): TOPMed 0.00006.
gnomAD v4.1: 175 of 1,613,790 alleles (0.011%); highest among the groups gnomAD compares: Middle Eastern, 0.12%; 1 homozygote.

Submissions (10):

PreventionGenetics, part of Exact Sciences
Classification: Uncertain significance for MITF-related condition. Last evaluated: 2026-06-02. Review status: criteria provided, single submitter. Criteria: ACMG Guidelines, 2015. Collection method: clinical testing. Allele origin: germline.
Comment: The MITF c.829G>A variant is predicted to result in the amino acid substitution p.Ala277Thr. To our knowledge, this variant has not been reported in the literature. This variant is reported in 0.039% of alleles in individuals of South Asian descent in gnomAD. At this time, the clinical significance of this variant is uncertain due to the absence of conclusive functional and genetic evidence.

Dasa
Classification: Uncertain significance. Last evaluated: 2026-01-19. Review status: criteria provided, single submitter. Criteria: DASA Assertion Criteria. Collection method: clinical testing. Allele origin: germline.
Comment: NM_001354604.2(MITF):c.1150G>A (p.Ala384Thr) is a missense variant that results in the substitution of alanine with threonine. The variant is present at low frequency in population datasets. Based on the available data, this variant is classified as variant of uncertain significance.

Revvity Omics, Revvity
Classification: Uncertain significance. Last evaluated: 2025-05-01. Review status: criteria provided, single submitter. Criteria: ACMG Guidelines, 2015. Collection method: clinical testing. Allele origin: germline.

Labcorp Genetics (formerly Invitae), Labcorp
Classification: Uncertain significance for Melanoma, cutaneous malignant, susceptibility to, 8; Waardenburg syndrome type 2A; Tietz syndrome. Last evaluated: 2025-02-02. Review status: criteria provided, single submitter. Criteria: Invitae Variant Classification Sherloc (09022015). Collection method: clinical testing. Allele origin: germline.
Comment: This sequence change replaces alanine, which is neutral and non-polar, with threonine, which is neutral and polar, at codon 277 of the MITF protein (p.Ala277Thr). This variant is present in population databases (rs202020443, gnomAD 0.04%). This variant has not been reported in the literature in individuals affected with MITF-related conditions. ClinVar contains an entry for this variant (Variation ID: 666714). Invitae Evidence Modeling of protein sequence and biophysical properties (such as structural, functional, and spatial information, amino acid conservation, physicochemical variation, residue mobility, and thermodynamic stability) indicates that this missense variant is not expected to disrupt MITF protein function with a negative predictive value of 80%. In summary, the available evidence is currently insufficient to determine the role of this variant in disease. Therefore, it has been classified as a Variant of Uncertain Significance.

GeneDx
Classification: Uncertain significance. Last evaluated: 2024-12-31. Review status: criteria provided, single submitter. Criteria: GeneDx Variant Classification Process June 2021. Collection method: clinical testing. Allele origin: germline. Affected: yes.
Comment: In silico analysis supports that this missense variant has a deleterious effect on protein structure/function; Has not been previously published as pathogenic or benign to our knowledge

Blueprint Genetics
Classification: Likely benign. Last evaluated: 2024-08-22. Review status: criteria provided, single submitter. Criteria: ACMG Guidelines, 2015. Collection method: clinical testing. Allele origin: germline.

CeGaT Center for Human Genetics Tuebingen
Classification: Uncertain significance. Last evaluated: 2023-09-01. Review status: criteria provided, single submitter. Criteria: CeGaT Center For Human Genetics Tuebingen Variant Classification Criteria Version 2. Collection method: clinical testing. Allele origin: germline. Affected: yes. Observed: 1 variant allele.

Laboratory for Molecular Medicine, Mass General Brigham Personalized Medicine
Classification: Likely benign. Last evaluated: 2018-05-08. Review status: criteria provided, single submitter. Criteria: LMM Criteria. Collection method: clinical testing. Allele origin: germline. Observed: 1 variant allele.
Comment: The p.Ala379Thr variant in exon 9 of MITF is not expected to have clinical signi ficance because it has been identified in 0.04% (13/30746) and computational pre diction tools and conservation analyses suggest that this variant may not impact the protein. ACMG/AMP Criteria applied: BS1_Supporting, BP4.

Clinical Genetics DNA and cytogenetics Diagnostics Lab, Erasmus MC, Erasmus Medical Center
Classification: Likely benign. Review status: no assertion criteria provided. Collection method: clinical testing. Allele origin: germline. Affected: yes. Study: VKGL Data-share Consensus. Not counted in ClinVar's aggregate classification.

Genome Diagnostics Laboratory, Amsterdam University Medical Center
Classification: Likely benign. Review status: no assertion criteria provided. Collection method: clinical testing. Allele origin: germline. Affected: yes. Study: VKGL Data-share Consensus. Not counted in ClinVar's aggregate classification.